The following is an entry in ClinVar:

ClinVar aggregate classification (germline): Pathogenic. Review status: criteria provided, multiple submitters, no conflicts (2 of 4 stars). 2 submissions from 2 submitters: Pathogenic (2). Last evaluated 2025-04-01.

Conditions:
Ellis-van Creveld syndrome (EVC). Also called: MESOECTODERMAL DYSPLASIA; Chondroectodermal dysplasia. Identifiers: Orphanet 289, MedGen C0013903, MONDO:0009162, OMIM 225500.

Allele frequency attached by ClinVar (database versions not stated): gnomAD exomes below 0.00001 and 0.00001; ExAC 0.00001.
gnomAD v4.1: 1 of 1,571,838 alleles (0.000064%); highest among the groups gnomAD compares: Non-Finnish European, 0.000088%; no homozygotes.

Submissions (2):

CeGaT Center for Human Genetics Tuebingen
Classification: Pathogenic. Last evaluated: 2025-04-01. Review status: criteria provided, single submitter. Criteria: CeGaT Center For Human Genetics Tuebingen Variant Classification Criteria Version 2. Collection method: clinical testing. Allele origin: germline. Affected: yes. Observed: 1 variant allele.
Comment: EVC: PVS1, PM2

Cancer Diagnostics Division, Gene Solutions
Classification: Pathogenic for Ellis-van Creveld syndrome. Last evaluated: 2019-05-04. Review status: criteria provided, single submitter. Criteria: ACMG Guidelines, 2015. Collection method: research. Allele origin: germline. Affected: yes and no. Observed: 1 heterozygote, 1 compound heterozygote.

NM_153717.3(EVC):c.758C>G (p.Ser253Ter)

Gene: EVC (EvC ciliary complex subunit 1; plus strand). Cytogenetic location: 4p16.2.
Variant type: single nucleotide variant.
Coding change: c.758C>G on transcript NM_153717.3 (MANE Select); coding-DNA position 758, C replaced by G.
Protein change: p.Ser253Ter; replaces serine 253 with a stop codon.
Molecular consequence: nonsense.
Genome position (GRCh38, 1-based): chr4:5,741,771, C>G. VCF-style: chr4-5741771-C-G. GRCh37 (hg19) VCF-style: chr4-5743498-C-G.
Other names: c.758C>G, p.Ser253Ter (NM_001306090.2, NM_001306092.2); short protein forms S253*.
Identifiers: ClinVar variation 804171 (VCV000804171.8), dbSNP rs762795511, ClinGen allele CA2835837.
Genomic context (GRCh38, chr4:5,741,771, plus strand): 5'-AATAGATGTTTATTCAGATTTTTAAAATGTGCCTCCTTGACCTTCTTCCTAAAAAGAAGT[C>G]AGATGATGAACTATACCAGAAGATCCTTTCAAAACAAGAAAAAGTAAGTCTTCAACCTAT-3'